The following is an entry in ClinVar:

ClinVar aggregate classification (germline): Pathogenic (1 of 4 stars; one submission).

Allele frequency attached by ClinVar (database versions not stated): gnomAD exomes below 0.00001; gnomAD 0.00001.
gnomAD v4.1: 7 of 1,549,688 alleles (0.00045%); highest among the groups gnomAD compares: Non-Finnish European, 0.00017%; no homozygotes.

Submission:

Labcorp Genetics (formerly Invitae), Labcorp
Classification: Pathogenic. Last evaluated: 2024-01-03. Review status: criteria provided, single submitter. Criteria: Invitae Variant Classification Sherloc (09022015). Collection method: clinical testing. Allele origin: germline.
Comment: This sequence change creates a premature translational stop signal (p.Arg17*) in the DYNC1I2 gene. It is expected to result in an absent or disrupted protein product. Loss-of-function variants in DYNC1I2 are known to be pathogenic (PMID: 31079899). This variant is not present in population databases (gnomAD no frequency). This variant has not been reported in the literature in individuals affected with DYNC1I2-related conditions. For these reasons, this variant has been classified as Pathogenic.

Literature cited by the submitters: PubMed 31079899.

NM_001378.3(DYNC1I2):c.49C>T (p.Arg17Ter)

Gene: DYNC1I2 (dynein cytoplasmic 1 intermediate chain 2; plus strand). Cytogenetic location: 2q31.1.
Variant type: single nucleotide variant.
Coding change: c.49C>T on transcript NM_001378.3 (MANE Select); coding-DNA position 49, C replaced by T.
Protein change: p.Arg17Ter; replaces arginine 17 with a stop codon.
Molecular consequence: nonsense.
Genome position (GRCh38, 1-based): chr2:171,690,204, C>T. VCF-style: chr2-171690204-C-T. GRCh37 (hg19) VCF-style: chr2-172546714-C-T.
Other names: c.49C>T, p.Arg17Ter (NM_001271785.2, NM_001271786.2, NM_001271787.2 and 8 more transcripts); short protein forms R17*.
Identifiers: ClinVar variation 2817809 (VCV002817809.3), dbSNP rs540814246, ClinGen allele CA60903842.